The following is an entry in ClinVar:

NM_017763.6(RNF43):c.1643T>A (p.Val548Asp)

Gene: RNF43 (ring finger protein 43; minus strand). Cytogenetic location: 17q22.
Variant type: single nucleotide variant.
Coding change: c.1643T>A on transcript NM_017763.6 (MANE Select); coding-DNA position 1643, T replaced by A.
Protein change: p.Val548Asp; replaces valine 548 with aspartic acid.
Molecular consequence: missense variant.
Genome position (GRCh38, 1-based): chr17:58,358,133, A>T on the plus strand (T>A on the coding strand, the complement: RNF43 is on the minus strand). VCF-style: chr17-58358133-A-T. GRCh37 (hg19) VCF-style: chr17-56435494-A-T.
Other names: c.1643T>A, p.Val548Asp (NM_001305544.3, NM_001438820.1, NM_001438821.1 and 1 more transcripts); c.1262T>A, p.Val421Asp (NM_001305545.2, NM_001437987.1); short protein forms V421D, V548D.
Identifiers: ClinVar variation 4863421 (VCV004863421.1).

ClinVar aggregate classification (germline): Uncertain significance (1 of 4 stars; one submission).

Submission:

Ambry Genetics
Classification: Uncertain significance. Last evaluated: 2026-05-19. Review status: criteria provided, single submitter. Criteria: Ambry Variant Classification Scheme 2023. Collection method: clinical testing. Allele origin: germline.
Comment: The p.V548D variant (also known as c.1643T>A), located in coding exon 8 of the RNF43 gene, results from a T to A substitution at nucleotide position 1643. The valine at codon 548 is replaced by aspartic acid, an amino acid with highly dissimilar properties. This amino acid position is conserved. In addition, this alteration is predicted to be tolerated by in silico analysis. Based on the available evidence, the clinical significance of this variant remains unclear.